The following is an entry in ClinVar:

NM_033109.5(PNPT1):c.454-18dup

Gene: PNPT1 (polyribonucleotide nucleotidyltransferase 1; minus strand). Cytogenetic location: 2p16.1.
Variant type: Duplication.
Coding change: c.454-18dup on transcript NM_033109.5 (MANE Select); 18 bases into the intron before coding-DNA position 454, one base duplicated (T; older notation c.454-18dupT).
Molecular consequence: intron variant.
Genome position (GRCh38, 1-based): chr2:55,680,931, A duplicated on the plus strand (T on the coding strand, the reverse complement: PNPT1 is on the minus strand); the first of 6 consecutive A bases (chr2:55,680,931-55,680,936); duplicating any one gives the same sequence. VCF-style (leftmost placement, unchanged base first): chr2-55680930-G-GA. GRCh37 (hg19) VCF-style: chr2-55908065-G-GA.
Other names: c.454-13dupT (NM_033109.4).
Identifiers: ClinVar variation 420473 (VCV000420473.4), dbSNP rs1064794498, ClinGen allele CA16617742.

ClinVar aggregate classification (germline): Benign/Likely benign. Review status: criteria provided, multiple submitters, no conflicts (2 of 4 stars). 2 submissions from 2 submitters: Benign (1); Likely benign (1). Last evaluated 2024-08-08.

Submissions (2):

Labcorp Genetics (formerly Invitae), Labcorp
Classification: Benign. Last evaluated: 2024-08-08. Review status: criteria provided, single submitter. Criteria: Invitae Variant Classification Sherloc (09022015). Collection method: clinical testing. Allele origin: germline.

GeneDx
Classification: Likely benign. Last evaluated: 2016-03-21. Review status: criteria provided, single submitter. Criteria: GeneDx Variant Classification (06012015). Collection method: clinical testing. Allele origin: germline. Affected: yes.
Comment: This variant is considered likely benign or benign based on one or more of the following criteria: it is a conservative change, it occurs at a poorly conserved position in the protein, it is predicted to be benign by multiple in silico algorithms, and/or has population frequency not consistent with disease.